The following is an entry in ClinVar:

ClinVar aggregate classification (germline): Uncertain significance (1 of 4 stars; one submission).

Conditions:
Schuurs-Hoeijmakers syndrome. Also called: PACS1-Related Neurodevelopmental Disorder. Identifiers: Orphanet 329224, MedGen C3554343, MONDO:0014006, OMIM 615009.

Submission:

Labcorp Genetics (formerly Invitae), Labcorp
Classification: Uncertain significance for Schuurs-Hoeijmakers syndrome. Last evaluated: 2024-12-07. Review status: criteria provided, single submitter. Criteria: Invitae Variant Classification Sherloc (09022015). Collection method: clinical testing. Allele origin: germline.
Comment: This sequence change replaces methionine, which is neutral and non-polar, with leucine, which is neutral and non-polar, at codon 130 of the PACS1 protein (p.Met130Leu). This variant is not present in population databases (gnomAD no frequency). This variant has not been reported in the literature in individuals affected with PACS1-related conditions. Invitae Evidence Modeling of protein sequence and biophysical properties (such as structural, functional, and spatial information, amino acid conservation, physicochemical variation, residue mobility, and thermodynamic stability) indicates that this missense variant is not expected to disrupt PACS1 protein function with a negative predictive value of 80%. In summary, the available evidence is currently insufficient to determine the role of this variant in disease. Therefore, it has been classified as a Variant of Uncertain Significance.

NM_018026.4(PACS1):c.388A>C (p.Met130Leu)

Gene: PACS1 (phosphofurin acidic cluster sorting protein 1; plus strand). Cytogenetic location: 11q13.2.
Variant type: single nucleotide variant.
Coding change: c.388A>C on transcript NM_018026.4 (MANE Select); coding-DNA position 388, A replaced by C.
Protein change: p.Met130Leu; replaces methionine 130 with leucine.
Molecular consequence: missense variant.
Genome position (GRCh38, 1-based): chr11:66,193,517, A>C. VCF-style: chr11-66193517-A-C. GRCh37 (hg19) VCF-style: chr11-65960988-A-C.
Other names: short protein forms M130L.
Identifiers: ClinVar variation 3711017 (VCV003711017.2).